The following is an entry in ClinVar:

ClinVar aggregate classification (germline): Uncertain significance. Review status: criteria provided, multiple submitters, no conflicts (2 of 4 stars). 3 submissions from 3 submitters: Uncertain significance (3). Last evaluated 2025-05-21.

Conditions:
Inborn genetic diseases. Identifiers: MedGen C0950123, MeSH D030342.
Amyotrophic lateral sclerosis type 6. Also called: FUS-Related Amyotrophic Laterial Sclerosis; AMYOTROPHIC LATERAL SCLEROSIS 6 WITHOUT FRONTOTEMPORAL DEMENTIA; Amyotrophic lateral sclerosis 6, with or without frontotemporal dementia. Identifiers: Orphanet 275872, Orphanet 803, MedGen C2931786, MONDO:0011951, OMIM 608030.
Tremor, hereditary essential, 4 (ETM4). Identifiers: MedGen C3539195, MONDO:0013888, OMIM 614782.

Allele frequency attached by ClinVar (database versions not stated): ExAC 0.00002; gnomAD exomes 0.00003; TOPMed 0.00003; gnomAD 0.00004.
gnomAD v4.1: 48 of 1,612,700 alleles (0.003%); highest among the groups gnomAD compares: Non-Finnish European, 0.0037%; no homozygotes.

Submissions (3):

Labcorp Genetics (formerly Invitae), Labcorp
Classification: Uncertain significance for Tremor, hereditary essential, 4; Amyotrophic lateral sclerosis type 6. Last evaluated: 2025-05-21. Review status: criteria provided, single submitter. Criteria: Invitae Variant Classification Sherloc (09022015). Collection method: clinical testing. Allele origin: germline.
Comment: This sequence change replaces arginine, which is basic and polar, with tryptophan, which is neutral and slightly polar, at codon 269 of the FUS protein (p.Arg269Trp). This variant is present in population databases (rs755018172, gnomAD 0.007%). This missense change has been observed in individual(s) with clinical features of amyotrophic lateral sclerosis (PMID: 28430856, 30270202). ClinVar contains an entry for this variant (Variation ID: 1761839). An algorithm developed to predict the effect of missense changes on protein structure and function (PolyPhen-2) suggests that this variant is likely to be disruptive. In summary, the available evidence is currently insufficient to determine the role of this variant in disease. Therefore, it has been classified as a Variant of Uncertain Significance.

Clinical Omics and Informatics (COIN) Unit, Neuroscience Institute, University Of Cape Town
Classification: Uncertain significance for Amyotrophic lateral sclerosis type 6. Last evaluated: 2025-02-19. Review status: criteria provided, single submitter. Criteria: ACMG Guidelines, 2015. Collection method: research. Allele origin: germline. Inheritance: Autosomal dominant inheritance. Affected: yes. Observed: 1 heterozygote.
Comment: The highest population allele frequency in gnomAD v4.0 is 0.00003729 (0.003%; 44/1179822 alleles in African/African American population). No homozygous observations. PP2 Not Met: The gene is highly tolerant to missense variation with a missense Z score of -5.63. PS4_Supporting: variant reported in 2 unrelated proband(s) with ALS (PMID:28430856,30270202). PP3 Not Met: Revel score is 0.63. BP5 Not Met: variant observed in 3 probands (heterozygous) who underwent genetic testing for phenotypes unrelated to ALS (ClinVar SCV002675687.2).

Ambry Genetics
Classification: Uncertain significance for Inborn genetic diseases. Last evaluated: 2021-12-23. Review status: criteria provided, single submitter. Criteria: Ambry Variant Classification Scheme 2023. Collection method: clinical testing. Allele origin: germline.
Comment: The p.R269W variant (also known as c.805C>T), located in coding exon 8 of the FUS gene, results from a C to T substitution at nucleotide position 805. The arginine at codon 269 is replaced by tryptophan, an amino acid with dissimilar properties. This alteration was detected in two patients among an ALS cohort (Mehta PR et al. J Neurol Neurosurg Psychiatry, 2019 03;90:268-271; Morgan S et al. Brain, 2017 Jun;140:1611-1618). This amino acid position is highly conserved in available vertebrate species. In addition, the in silico prediction for this alteration is inconclusive. Since supporting evidence is limited at this time, the clinical significance of this alteration remains unclear.

Literature cited by the submitters: PubMed 28430856 (cited by 3 submitters); PubMed 30270202 (cited by 3 submitters).

NM_004960.4(FUS):c.805C>T (p.Arg269Trp)

Gene: FUS (FUS RNA binding protein; plus strand). Cytogenetic location: 16p11.2.
Variant type: single nucleotide variant.
Coding change: c.805C>T on transcript NM_004960.4 (MANE Select); coding-DNA position 805, C replaced by T.
Protein change: p.Arg269Trp; replaces arginine 269 with tryptophan.
Molecular consequence: missense variant. On other transcripts: non-coding transcript variant (1).
Genome position (GRCh38, 1-based): chr16:31,188,330, C>T. VCF-style: chr16-31188330-C-T. GRCh37 (hg19) VCF-style: chr16-31199651-C-T.
Other names: c.802C>T, p.Arg268Trp (NM_001170634.1); c.793C>T, p.Arg265Trp (NM_001170937.1); short protein forms R265W, R268W, R269W.
Identifiers: ClinVar variation 1761839 (VCV001761839.5), dbSNP rs755018172, ClinGen allele CA8023837.